The following is an entry in ClinVar:

ClinVar aggregate classification (germline): Pathogenic (1 of 4 stars; one submission).

Conditions:
Chromosome 16p11.2 duplication syndrome. Identifiers: Orphanet 370079, MedGen C3553407, MONDO:0013847, OMIM 614671.

Submission:

Department of Prenatal Diagnosis, Henan Provincial People’s Hospital
Classification: Pathogenic for Chromosome 16p11.2 duplication syndrome. Last evaluated: 2026-11-25. Review status: criteria provided, single submitter. Criteria: ACMG/ClinGen CNV Guidelines, 2019. Collection method: research. Allele origin: germline, maternal, de novo. Affected: yes and no. Observed: 8 variant alleles.
Comment: During the prenatal stage, a 560-kb heterozygous duplication (29640000-30200000) within the 16p11.2 region was identified in eight fetuses. Based on the "ACMG/ClinGen CNV Guidelines" (2019, PMID: 31690835), this dupliaction encompasses the triplosensitive genomic region-16p11.2 recurrent region (proximal, BP4-BP5) (includes TBX6)，which satisfies the criteria for Evidence Type 2A and is assigned a score of 1. As a result, the observed copy number duplication in this case achieves a cumulative score of ≥0.99, classifying it as a pathogenic copy number variant.

Single allele

Genes: ALDOA (aldolase, fructose-bisphosphate A; plus strand), ASPHD1 (aspartate beta-hydroxylase domain containing 1; plus strand), C16orf54 (chromosome 16 open reading frame 54; minus strand), CDIPT (CDP-diacylglycerol--inositol 3-phosphatidyltransferase; minus strand), CORO1A (coronin 1A; plus strand) and 22 more. Cytogenetic location: 16p11.2.
Variant type: Duplication.
Identifiers: ClinVar variation 5043559 (VCV005043559.1).